The following is an entry in ClinVar:

ClinVar aggregate classification (germline): Uncertain significance. Review status: criteria provided, multiple submitters, no conflicts (2 of 4 stars). 3 submissions from 3 submitters: Uncertain significance (3). Last evaluated 2023-08-04.

Conditions:
Hyperimmunoglobulin D with periodic fever (HIDS). Also called: HYPERIMMUNOGLOBULINEMIA D AND PERIODIC FEVER SYNDROME; Hyperimmunoglobulinemia D with periodic fever; Hyperimmunoglobulinemia D. Identifiers: Orphanet 343, MedGen C0398691, MONDO:0009849, OMIM 260920.
Mevalonic aciduria (MEVA). Identifiers: Orphanet 29, MedGen C1959626, MONDO:0012481, OMIM 610377.
Porokeratosis 3, disseminated superficial actinic type (POROK3). Also called: POROKERATOSIS, DISSEMINATED SUPERFICIAL ACTINIC, 1; POROKERATOSIS 3, MULTIPLE TYPES; POROKERATOSIS 3, MIBELLI TYPE. Identifiers: MedGen C1867981, MONDO:0008293, OMIM 175900.

Allele frequency attached by ClinVar (database versions not stated): gnomAD exomes below 0.00001; ExAC 0.00001; TOPMed 0.00003; gnomAD 0.00004; ESP Exome Variant Server 0.00008.

Submissions (3):

Labcorp Genetics (formerly Invitae), Labcorp
Classification: Uncertain significance for Mevalonic aciduria; Hyperimmunoglobulin D with periodic fever; Porokeratosis 3, disseminated superficial actinic type. Last evaluated: 2023-08-04. Review status: criteria provided, single submitter. Criteria: Invitae Variant Classification Sherloc (09022015). Collection method: clinical testing. Allele origin: germline.
Comment: In summary, the available evidence is currently insufficient to determine the role of this variant in disease. Therefore, it has been classified as a Variant of Uncertain Significance. Advanced modeling of protein sequence and biophysical properties (such as structural, functional, and spatial information, amino acid conservation, physicochemical variation, residue mobility, and thermodynamic stability) has been performed at Invitae for this missense variant, however the output from this modeling did not meet the statistical confidence thresholds required to predict the impact of this variant on MVK protein function. ClinVar contains an entry for this variant (Variation ID: 941169). This variant has not been reported in the literature in individuals affected with MVK-related conditions. This variant is not present in population databases (gnomAD no frequency). This sequence change replaces arginine, which is basic and polar, with histidine, which is basic and polar, at codon 241 of the MVK protein (p.Arg241His).

Fulgent Genetics
Classification: Uncertain significance for Porokeratosis 3, disseminated superficial actinic type; Hyperimmunoglobulin D with periodic fever; Mevalonic aciduria. Last evaluated: 2021-10-04. Review status: criteria provided, single submitter. Criteria: ACMG Guidelines, 2015. Collection method: clinical testing. Allele origin: unknown.

Blueprint Genetics
Classification: Uncertain significance. Last evaluated: 2020-09-14. Review status: criteria provided, single submitter. Criteria: ACMG Guidelines, 2015. Collection method: clinical testing. Allele origin: germline.

NM_000431.4(MVK):c.722G>A (p.Arg241His)

Gene: MVK (mevalonate kinase; plus strand). Cytogenetic location: 12q24.11.
Variant type: single nucleotide variant.
Coding change: c.722G>A on transcript NM_000431.4 (MANE Select); coding-DNA position 722, G replaced by A.
Protein change: p.Arg241His; replaces arginine 241 with histidine.
Molecular consequence: missense variant.
Genome position (GRCh38, 1-based): chr12:109,590,815, G>A. VCF-style: chr12-109590815-G-A. GRCh37 (hg19) VCF-style: chr12-110028620-G-A.
Other names: c.722G>A, p.Arg241His (NM_001114185.3); c.566G>A, p.Arg189His (NM_001301182.2); short protein forms R189H, R241H.
Identifiers: ClinVar variation 941169 (VCV000941169.10), dbSNP rs372166675, ClinGen allele CA6779351.